The following is an entry in ClinVar:

NM_194277.3(FRMD7):c.580G>A (p.Ala194Thr)

Gene: FRMD7 (FERM domain containing 7; minus strand). Cytogenetic location: Xq26.2.
Variant type: single nucleotide variant.
Coding change: c.580G>A on transcript NM_194277.3 (MANE Select); coding-DNA position 580, G replaced by A.
Protein change: p.Ala194Thr; replaces alanine 194 with threonine.
Molecular consequence: missense variant.
Genome position (GRCh38, 1-based): chrX:132,085,646, C>T on the plus strand (G>A on the coding strand, the complement: FRMD7 is on the minus strand). VCF-style: chrX-132085646-C-T. GRCh37 (hg19) VCF-style: chrX-131219674-C-T.
Other names: c.535G>A, p.Ala179Thr (NM_001306193.2); short protein forms A179T, A194T.
Identifiers: ClinVar variation 1025022 (VCV001025022.11), dbSNP rs1429474154, ClinGen allele CA414681078.

ClinVar aggregate classification (germline): Pathogenic/Likely pathogenic. Review status: criteria provided, multiple submitters, no conflicts (2 of 4 stars). 3 submissions from 3 submitters: Pathogenic (1); Likely pathogenic (2). Last evaluated 2025-10-27.

Conditions:
Nystagmus 1, congenital, X-linked. Also called: NYSTAGMUS, INFANTILE IDIOPATHIC; NYSTAGMUS, INFANTILE PERIODIC ALTERNATING, X-LINKED; NYSTAGMUS 1, INFANTILE, X-LINKED; NYSTAGMUS, CONGENITAL MOTOR, 1; FRMD7-Related Infantile Nystagmus. Identifiers: MedGen C1839580, MONDO:0010693, OMIM 310700.

Allele frequency attached by ClinVar (database versions not stated): gnomAD exomes 0.00001.
gnomAD v4.1: 7 of 1,208,401 alleles (0.00058%); highest among the groups gnomAD compares: East Asian, 0.003%; no homozygotes.

Submissions (3):

Labcorp Genetics (formerly Invitae), Labcorp
Classification: Likely pathogenic. Last evaluated: 2025-10-27. Review status: criteria provided, single submitter. Criteria: Invitae Variant Classification Sherloc (09022015). Collection method: clinical testing. Allele origin: germline.
Comment: This sequence change replaces alanine, which is neutral and non-polar, with threonine, which is neutral and polar, at codon 194 of the FRMD7 protein (p.Ala194Thr). This variant is present in population databases (no rsID available, gnomAD 0.008%). This missense change has been observed in individuals with early-onset nystagmus (PMID: 32446246, 35705619; internal data). It has also been observed to segregate with disease in related individuals. ClinVar contains an entry for this variant (Variation ID: 1025022). An algorithm developed to predict the effect of missense changes on protein structure and function (PolyPhen-2) suggests that this variant is likely to be disruptive. Experimental studies have shown that this missense change affects FRMD7 function (PMID: 32446246). In summary, the currently available evidence indicates that the variant is pathogenic, but additional data are needed to prove that conclusively. Therefore, this variant has been classified as Likely Pathogenic.

3billion
Classification: Pathogenic for Nystagmus 1, congenital, X-linked. Last evaluated: 2023-10-05. Review status: criteria provided, single submitter. Criteria: ACMG Guidelines, 2015. Collection method: clinical testing. Allele origin: germline. Affected: yes.
Comment: The variant is observed at an extremely low frequency in the gnomAD v2.1.1 dataset (total allele frequency: 0.001%). Predicted Consequence/Location: Missense variant Functional studies provide moderate evidence of the variant having a damaging effect on the gene or gene product (PMID: 32446246). In silico tool predictions suggest damaging effect of the variant on gene or gene product [REVEL: 0.89 (>=0.6, sensitivity 0.68 and specificity 0.92)]. Same nucleotide change resulting in same amino acid change has been previously reported as pathogenic/likely pathogenic with strong evidence (ClinVar ID: VCV001025022 /PMID: 32446246).A different missense change at the same codon (p.Ala194Ser) has been reported to be associated with FRMD7 related disorder (PMID: 28656292). Therefore, this variant is classified as Pathogenic according to the recommendation of ACMG/AMP guideline.

GeneDx
Classification: Likely pathogenic. Last evaluated: 2022-04-07. Review status: criteria provided, single submitter. Criteria: GeneDx Variant Classification Process June 2021. Collection method: clinical testing. Allele origin: germline. Affected: yes.
Comment: Published functional studies demonstrate a damaging effect (Jiang et al., 2020); Not observed at significant frequency in large population cohorts (gnomAD); In silico analysis supports that this missense variant has a deleterious effect on protein structure/function; This variant is associated with the following publications: (PMID: 32446246)

Literature cited by the submitters: PubMed 32446246 (cited by Labcorp Genetics (formerly Invitae), Labcorp and 3billion); PubMed 35705619 (cited by Labcorp Genetics (formerly Invitae), Labcorp); PubMed 28656292 (cited by 3billion).